The following is an entry in ClinVar:

NM_020433.5(JPH2):c.1961C>G (p.Ala654Gly)

Gene: JPH2 (junctophilin 2; minus strand). Cytogenetic location: 20q13.12.
Variant type: single nucleotide variant.
Coding change: c.1961C>G on transcript NM_020433.5 (MANE Select); coding-DNA position 1961, C replaced by G.
Protein change: p.Ala654Gly; replaces alanine 654 with glycine.
Molecular consequence: missense variant.
Genome position (GRCh38, 1-based): chr20:44,115,714, G>C on the plus strand (C>G on the coding strand, the complement: JPH2 is on the minus strand). VCF-style: chr20-44115714-G-C. GRCh37 (hg19) VCF-style: chr20-42744354-G-C.
Other names: short protein forms A654G.
Identifiers: ClinVar variation 1783443 (VCV001783443.3), dbSNP rs1175261037, ClinGen allele CA409099592.
Genomic context (GRCh38, chr20:44,115,714, plus strand): 5'-GACAGCCTCACCTCTTCCACCTCCACCTCCGCCTCTGCCGCCAGTGCGGCCTCCTTCCGC[G>C]CCTTCTTCTTGGCCCCCGCCTTGGTCAGCCCTCGAGCCTCAGTCTTGCGGGCCTTGGCCC-3'
Protein context (NP_065166.2, residues 644-664): GLTKAGAKKK[Ala654Gly]RKEAALAAEA

ClinVar aggregate classification (germline): Uncertain significance (1 of 4 stars; one submission).

Conditions:
Cardiovascular phenotype. Identifiers: MedGen CN230736.

Submission:

Ambry Genetics
Classification: Uncertain significance for Cardiovascular phenotype. Last evaluated: 2025-05-27. Review status: criteria provided, single submitter. Criteria: Ambry Variant Classification Scheme 2023. Collection method: clinical testing. Allele origin: germline.
Comment: The p.A654G variant (also known as c.1961C>G), located in coding exon 4 of the JPH2 gene, results from a C to G substitution at nucleotide position 1961. The alanine at codon 654 is replaced by glycine, an amino acid with similar properties. This amino acid position is conserved. In addition, this alteration is predicted to be tolerated by in silico analysis. Since supporting evidence is limited at this time, the clinical significance of this alteration remains unclear.